The following is an entry in ClinVar:

NM_201384.3(PLEC):c.1544C>T (p.Pro515Leu)

Gene: PLEC (plectin; minus strand). Cytogenetic location: 8q24.3.
Variant type: single nucleotide variant.
Coding change: c.1544C>T on transcript NM_201384.3 (MANE Select); coding-DNA position 1544, C replaced by T.
Protein change: p.Pro515Leu; replaces proline 515 with leucine.
Molecular consequence: missense variant.
Genome position (GRCh38, 1-based): chr8:143,932,986, G>A on the plus strand (C>T on the coding strand, the complement: PLEC is on the minus strand). VCF-style: chr8-143932986-G-A. GRCh37 (hg19) VCF-style: chr8-145007154-G-A.
Other names: c.1625C>T, p.Pro542Leu (NM_000445.5); c.1502C>T, p.Pro501Leu (NM_201378.4); c.1478C>T, p.Pro493Leu (NM_201379.3); c.1955C>T, p.Pro652Leu (NM_201380.4); c.1448C>T, p.Pro483Leu (NM_201381.3); c.1544C>T, p.Pro515Leu (NM_201382.4); c.1556C>T, p.Pro519Leu (NM_201383.3); short protein forms P483L, P493L, P652L, P519L, P501L, P515L, P542L.
Identifiers: ClinVar variation 659628 (VCV000659628.8), dbSNP rs782052037, ClinGen allele CA4927929.

ClinVar aggregate classification (germline): Uncertain significance (1 of 4 stars; one submission).

Conditions:
Epidermolysis bullosa simplex 5C, with pyloric atresia (EBS5C). Also called: Epidermolysis bullosa simplex with pyloric atresia; PLEC-Related Epidermolysis Bullosa with Pyloric Atresia; PLEC1-Related Epidermolysis Bullosa with Pyloric Atresia. Identifiers: Orphanet 158684, MedGen C2677349, MONDO:0012807, OMIM 612138.
Epidermolysis bullosa simplex 5B, with muscular dystrophy (EBS5B). Also called: Epidermolysis bullosa simplex with muscular dystrophy; EPIDERMOLYSIS BULLOSA SIMPLEX AND LIMB-GIRDLE MUSCULAR DYSTROPHY. Identifiers: Orphanet 257, MedGen C2931072, MONDO:0009181, OMIM 226670.
Epidermolysis bullosa simplex, Ogna type (EBS5A). Also called: Pidermolysis bullosa simplex 5A, Ogna type; EPIDERMOLYSIS BULLOSA SIMPLEX 5A, OGNA TYPE. Identifiers: Orphanet 79401, MedGen C0432317, MONDO:0007555, OMIM 131950.
Epidermolysis bullosa simplex with nail dystrophy (EBS5D). Identifiers: MedGen C4225309, MONDO:0014661, OMIM 616487.
Autosomal recessive limb-girdle muscular dystrophy type 2Q (LGMDR17). Also called: MUSCULAR DYSTROPHY, LIMB-GIRDLE, AUTOSOMAL RECESSIVE 17. Identifiers: Orphanet 254361, MedGen C3150989, MONDO:0013390, OMIM 613723.

Allele frequency attached by ClinVar (database versions not stated): ExAC 0.00001.
gnomAD v4.1: 7 of 1,610,852 alleles (0.00043%); highest among the groups gnomAD compares: East Asian, 0.016%; no homozygotes.

Submission:

Labcorp Genetics (formerly Invitae), Labcorp
Classification: Uncertain significance for Autosomal recessive limb-girdle muscular dystrophy type 2Q; Epidermolysis bullosa simplex, Ogna type; Epidermolysis bullosa simplex with nail dystrophy; Epidermolysis bullosa simplex 5C, with pyloric atresia; Epidermolysis bullosa simplex 5B, with muscular dystrophy. Last evaluated: 2022-07-05. Review status: criteria provided, single submitter. Criteria: Invitae Variant Classification Sherloc (09022015). Collection method: clinical testing. Allele origin: germline.
Comment: This sequence change replaces proline, which is neutral and non-polar, with leucine, which is neutral and non-polar, at codon 542 of the PLEC protein (p.Pro542Leu). This variant is not present in population databases (gnomAD no frequency). This variant has not been reported in the literature in individuals affected with PLEC-related conditions. ClinVar contains an entry for this variant (Variation ID: 659628). Algorithms developed to predict the effect of missense changes on protein structure and function are either unavailable or do not agree on the potential impact of this missense change (SIFT: "Deleterious"; PolyPhen-2: "Not Available"; Align-GVGD: "Class C65"). In summary, the available evidence is currently insufficient to determine the role of this variant in disease. Therefore, it has been classified as a Variant of Uncertain Significance.